The following is an entry in ClinVar:

ClinVar aggregate classification (germline): Uncertain significance (1 of 4 stars; one submission).

Conditions:
APC2-related disorder. Also called: APC2-related condition; APC2-Related Disorders.

Submission:

PreventionGenetics, part of Exact Sciences
Classification: Uncertain significance for APC2-related condition. Last evaluated: 2025-10-31. Review status: criteria provided, single submitter. Criteria: ACMG Guidelines, 2015. Collection method: clinical testing. Allele origin: germline.
Comment: The APC2 c.147_215del69 variant is predicted to result in an in-frame deletion (p.Lys51_Leu73del). To our knowledge, this variant has not been reported in the literature or in a large population database (gnomAD), indicating this variant is rare. At this time, the clinical significance of this variant is uncertain due to the absence of conclusive functional and genetic evidence.

NM_005883.2(APC2):c.147_215del69

Gene: APC2 (APC regulator of Wnt signaling pathway 2; plus strand). Cytogenetic location: 19p13.3.
Variant type: Deletion.
Coding change: c.147_215del69 on transcript NM_005883.2; coding-DNA positions 147 to 215, 69 bases deleted.
Genome position (GRCh38, 1-based): chr19:1,453,252-1,453,320, 69 bases deleted. GRCh37 (hg19): chr19:1,453,251-1,453,319.
Identifiers: ClinVar variation 4992910 (VCV004992910.1).